The following is an entry in ClinVar:

ClinVar aggregate classification (germline): Uncertain significance (1 of 4 stars; one submission).

Conditions:
HSD10 mitochondrial disease (HSD10MD). Also called: 2-methyl-3-hydroxybutyric aciduria; HSD10 deficiency; 3H2MBD deficiency; 3-hydroxy-2-methylbutyryl-CoA dehydrogenase deficiency; 2M3HBA; 17-beta-hydroxysteroid dehydrogenase X deficiency. Identifiers: Orphanet 391417, Orphanet 85295, MedGen C3266731, MONDO:0010327, OMIM 300438. Disease mechanism: loss of function.

Submission:

Foundation for Research in Genetics and Endocrinology, FRIGE's Institute of Human Genetics
Classification: Uncertain significance for HSD10 mitochondrial disease. Last evaluated: 2021-07-12. Review status: criteria provided, single submitter. Criteria: ACMG Guidelines, 2015. Collection method: research. Allele origin: maternal. Inheritance: X-linked dominant inheritance. Affected: yes. Observed: 1 hemizygote.
Comment: A hemizygous missense variation in exon 6 of the HSD17B10 gene that results in the amino acid substitution of Histidine for Glutamine at codon 220 was detected. The observed variant c.660A>C (p.Gln220His) has not been reported in the 1000 genomes and gnomAD databases. The in-silico prediction of the variant are damaging by LRT and MutationTaster2. The reference codon is conserved across species. In summary, the variant meets our criteria to be classified as a variant of uncertain significance.

NM_004493.3(HSD17B10):c.660A>C (p.Gln220His)

Gene: HSD17B10 (hydroxysteroid 17-beta dehydrogenase 10; minus strand). Cytogenetic location: Xp11.22.
Variant type: single nucleotide variant.
Coding change: c.660A>C on transcript NM_004493.3 (MANE Select); coding-DNA position 660, A replaced by C.
Protein change: p.Gln220His; replaces glutamine 220 with histidine.
Molecular consequence: missense variant.
Genome position (GRCh38, 1-based): chrX:53,431,530, T>G on the plus strand (A>C on the coding strand, the complement: HSD17B10 is on the minus strand). VCF-style: chrX-53431530-T-G. GRCh37 (hg19) VCF-style: chrX-53458478-T-G.
Other names: p.Gln220His; c.633A>C, p.Gln211His (NM_001037811.2); short protein forms Q211H, Q220H.
Identifiers: ClinVar variation 1327475 (VCV001327475.3), dbSNP rs1602426334, ClinGen allele CA413150624.
Genomic context (GRCh38, chrX:53,431,530, plus strand): 5'-GATGGCCTGTACGAGGTGAGCATACTCAGCAGGGTCACCCAGTCGGCTAGGGAAGGGCAC[T>G]TGGCTGGCCAAGAAGTTGCACACTTTCTCTGGGAGGCTGGTCAGCAGTGGGGTGCCAAAC-3'
Protein context (NP_004484.1, residues 210-230): PEKVCNFLAS[Gln220His]VPFPSRLGDP